The following is an entry in ClinVar:

NM_000051.4(ATM):c.68G>A (p.Arg23Gln)

Gene: ATM (ATM serine/threonine kinase; plus strand). Cytogenetic location: 11q22.3.
Variant type: single nucleotide variant.
Coding change: c.68G>A on transcript NM_000051.4 (MANE Select); coding-DNA position 68, G replaced by A.
Protein change: p.Arg23Gln; replaces arginine 23 with glutamine.
Molecular consequence: missense variant.
Genome position (GRCh38, 1-based): chr11:108,227,692, G>A. VCF-style: chr11-108227692-G-A. GRCh37 (hg19) VCF-style: chr11-108098419-G-A.
Other names: p.R23Q:CGA>CAA; c.68G>A, p.Arg23Gln (NM_001351834.2, NM_001351835.2, NM_001351836.2); c.68G>A (NM_000051.2); short protein forms R23Q.
Identifiers: ClinVar variation 127429 (VCV000127429.39), dbSNP rs587779858, ClinGen allele CA286947.

ClinVar aggregate classification (germline): Uncertain significance. Review status: criteria provided, multiple submitters, no conflicts (2 of 4 stars). 13 submissions from 13 submitters: Uncertain significance (12). 1 of the submissions does not count toward it. Last evaluated 2026-01-28.

Conditions:
ATM-related disorder. Also called: ATM-related disorders; ATM-related condition.
Breast and/or ovarian cancer. Identifiers: MedGen CN221562.
Hereditary cancer-predisposing syndrome. Also called: Tumor predisposition; Hereditary Cancer Syndrome; Neoplastic Syndromes, Hereditary; Hereditary neoplastic syndrome. Identifiers: Orphanet 140162, MedGen C0027672, MeSH D009386, MONDO:0015356.
Familial cancer of breast. Also called: BREAST CANCER, FAMILIAL; Hereditary breast cancer; hereditary breast carcinoma. Identifiers: Orphanet 227535, MedGen C0346153, MONDO:0016419, OMIM 114480. Disease mechanism: loss of function.
Ataxia-telangiectasia syndrome (AT). Also called: LOUIS-BAR SYNDROME; Cerebello-oculocutaneous telangiectasia; Immunodeficiency with ataxia telangiectasia; ATAXIA-TELANGIECTASIA, COMPLEMENTATION GROUP A; ATAXIA-TELANGIECTASIA, FRESNO VARIANT; Ataxia-telangiectasia. Identifiers: Orphanet 100, MedGen C0004135, MONDO:0008840, OMIM 208900.

Allele frequency attached by ClinVar (database versions not stated): gnomAD exomes 0.00001.
gnomAD v4.1: 13 of 1,613,478 alleles (0.00081%); highest among the groups gnomAD compares: Non-Finnish European, 0.001%; no homozygotes.

Submissions (13):

Labcorp Genetics (formerly Invitae), Labcorp
Classification: Uncertain significance for Ataxia-telangiectasia syndrome. Last evaluated: 2026-01-28. Review status: criteria provided, single submitter. Criteria: Invitae Variant Classification Sherloc (09022015). Collection method: clinical testing. Allele origin: germline.
Comment: This sequence change replaces arginine, which is basic and polar, with glutamine, which is neutral and polar, at codon 23 of the ATM protein (p.Arg23Gln). This variant is not present in population databases (gnomAD no frequency). This missense change has been observed in individual(s) with clinical features of ataxia-telangiectasia, gastric cancer, and/or personal/family history of breast/ovarian cancer (PMID: 30303537, 31050087, 32068069, 33525650). ClinVar contains an entry for this variant (Variation ID: 127429). Invitae Evidence Modeling of protein sequence and biophysical properties (such as structural, functional, and spatial information, amino acid conservation, physicochemical variation, residue mobility, and thermodynamic stability) has been performed for this missense variant. However, the output from this modeling did not meet the statistical confidence thresholds required to predict the impact of this variant on ATM protein function. In summary, the available evidence is currently insufficient to determine the role of this variant in disease. Therefore, it has been classified as a Variant of Uncertain Significance.

Athena Diagnostics
Classification: Uncertain significance. Last evaluated: 2025-06-02. Review status: criteria provided, single submitter. Criteria: Athena Diagnostics Criteria. Collection method: clinical testing. Allele origin: unknown.
Comment: Available data are insufficient to determine the clinical significance of the variant at this time. This variant has not been reported in large, multi-ethnic general populations. Assessment of experimental evidence regarding the effect of this variant on protein function is inconclusive (PMID: 31050087).

Ambry Genetics
Classification: Uncertain significance for Hereditary cancer-predisposing syndrome. Last evaluated: 2025-05-01. Review status: criteria provided, single submitter. Criteria: Ambry Variant Classification Scheme 2023. Collection method: clinical testing. Allele origin: germline.
Comment: The p.R23Q variant (also known as c.68G>A), located in coding exon 1 of the ATM gene, results from a G to A substitution at nucleotide position 68. This alteration was also identified in 1/1207 cases of French women diagnosed with breast cancer who had a sister with breast cancer and were BRCA1 and BRCA2 negative and 0/1199 general population controls (Girard E et al. Int J Cancer, 2019 04;144:1962-1974). This alteration has also been reported in a patient with atypical features of ataxia-telangiectasia, in conjunction with another missense alteration; both ATM variants were classified as uncertain significance by study authors (Fi&eacute;vet A et al. Hum Mutat, 2019 10;40:1713-1730). The arginine at codon 23 is replaced by glutamine, an amino acid with highly similar properties. This amino acid position is well conserved in available vertebrate species. In addition, the in silico prediction for this alteration is inconclusive. Based on the available evidence, the clinical significance of this variant remains unclear.

Center for Genomic Medicine, Rigshospitalet, Copenhagen University Hospital
Classification: Uncertain significance. Last evaluated: 2025-03-04. Review status: criteria provided, single submitter. Criteria: ACMG Guidelines, 2015. Collection method: clinical testing. Allele origin: germline.

GeneDx
Classification: Uncertain significance. Last evaluated: 2024-08-09. Review status: criteria provided, single submitter. Criteria: GeneDx Variant Classification Process June 2021. Collection method: clinical testing. Allele origin: germline. Affected: yes.
Comment: Not observed at significant frequency in large population cohorts (gnomAD); In silico analysis supports that this missense variant has a deleterious effect on protein structure/function; Identified with another ATM variant in a patient with atypical ataxia-telangiectasia (PMID: 31050087); Observed in individuals with breast or gastric cancer (PMID: 25186627, 30303537, 33525650); This variant is associated with the following publications: (PMID: 30303537, 17344846, 28873162, 25186627, 31050087, 33525650)

Color Diagnostics, LLC DBA Color Health
Classification: Uncertain significance for Hereditary cancer-predisposing syndrome. Last evaluated: 2023-05-31. Review status: criteria provided, single submitter. Criteria: ACMG Guidelines, 2015. Collection method: clinical testing. Allele origin: germline.
Comment: This missense variant replaces arginine with glutamine at codon 23 of the ATM protein. Computational prediction is inconclusive regarding the impact of this variant on protein structure and function (internally defined REVEL score threshold 0.5 < inconclusive < 0.7, PMID: 27666373). This variant has been reported together with another ATM missense variant (p.Gly2020Asp) in an individual affected with atypical ataxia telangiectasia (PMID: 31050087). Cells derived from this individual had normal ATM protein levels and CHK2 phosphorylation and decreased KAP1 phosphorylation (PMID: 31050087). This variant has also been reported in individuals affected with breast cancer (PMID: 25186627, 30303537, 33471991) and in a healthy control (PMID: 33471991). This variant has not been identified in the general population by the Genome Aggregation Database (gnomAD). The available evidence is insufficient to determine the role of this variant in disease conclusively. Therefore, this variant is classified as a Variant of Uncertain Significance.

Department of Pathology and Laboratory Medicine, Sinai Health System
Classification: Uncertain significance for Familial cancer of breast. Last evaluated: 2023-04-11. Review status: criteria provided, single submitter. Criteria: ACMG Guidelines, 2015. Collection method: clinical testing. Allele origin: germline. Affected: yes.

Baylor Genetics
Classification: Uncertain significance for Familial cancer of breast. Last evaluated: 2022-09-21. Review status: criteria provided, single submitter. Criteria: ACMG Guidelines, 2015. Collection method: clinical testing. Allele origin: unknown.

Mendelics
Classification: Uncertain significance. Last evaluated: 2022-05-04. Review status: criteria provided, single submitter. Criteria: Mendelics Assertion Criteria 2019. Collection method: clinical testing. Allele origin: germline.

Mayo Clinic Laboratories, Mayo Clinic
Classification: Uncertain significance. Last evaluated: 2021-06-25. Review status: criteria provided, single submitter. Criteria: ACMG Guidelines, 2015. Collection method: clinical testing. Allele origin: germline.

Sema4
Classification: Uncertain significance for Hereditary cancer-predisposing syndrome. Last evaluated: 2021-05-30. Review status: criteria provided, single submitter. Criteria: Sema4 Curation Guidelines. Collection method: curation. Allele origin: germline.
Comment: The ATM c.68G>A (p.R23Q) variant has been reported in heterozygosity in at least four individuals - one with atypical ataxia telangiectasia and thyroid cancer, and three others with breast cancer or other advanced cancer (PMID: 31050087, 32068069, 28873162, 33471991). Studies in a patient lymphoblastoid cell line showed no significant difference in ATM protein expression and localization compared to a normal control, though some aspects of ATM phosphorylation activity was impaired (PMID: 31050087). This variant is not reported in the population database Genome Aggregation Database (PMID: 32461654) but has been reported in ClinVar (Variation ID: 127429). In silico tools suggest the impact of the variant on protein function is inconclusive. The overall evidence is inconsistent with ACMG/AMP requirements for a classification of benign or pathogenic. In summary, the clinical significance of this variant is currently uncertain.

CHEO Genetics Diagnostic Laboratory, Children's Hospital of Eastern Ontario
Classification: Uncertain significance for Breast and/or ovarian cancer. Last evaluated: 2021-03-01. Review status: criteria provided, single submitter. Criteria: ACMG Guidelines, 2015. Collection method: clinical testing. Allele origin: germline.

PreventionGenetics, part of Exact Sciences
Classification: Uncertain significance for ATM-related condition. Last evaluated: 2024-06-12. Review status: no assertion criteria provided. Collection method: clinical testing. Allele origin: germline. Not counted in ClinVar's aggregate classification.
Comment: The ATM c.68G>A variant is predicted to result in the amino acid substitution p.Arg23Gln. This variant has been reported in an individual with colorectal adenocarcinoma (Table S2 in Greenman et al. 2007. PubMed ID: 17344846), in five individuals with breast cancer and in one case control (Table s1 in Breast Cancer Association Consortium et al 2021. PubMed ID: 33471991; Table S1 in Kwong et al 2020. PubMed ID: 32068069; Table S3 in Girard et al. 2019. PubMed ID: 30303537; Table S1 in Tung et al 2014. PubMed ID: 25186627), in an individual with gastric cancer (Table S1 in Herrera-Pariente et al. 2021. PubMed ID: 33525650), and in an individual with ataxia-telangiectasia who also harbored a second variant in ATM (Figure 2b in Fiévet et al. 2019. PubMed ID: 31050087). This variant has not been reported in a large population database, indicating this variant is rare. This variant has been classified as uncertain in the ClinVar database. At this time, the clinical significance of this variant is uncertain due to the absence of conclusive functional and genetic evidence.

Literature cited by the submitters: PubMed 30303537 (cited by 6 submitters); PubMed 31050087 (cited by 7 submitters); PubMed 32068069 (cited by 4 submitters); PubMed 33525650 (cited by Labcorp Genetics (formerly Invitae), Labcorp); PubMed 35585550 (cited by Athena Diagnostics); PubMed 39427061 (cited by Athena Diagnostics); PubMed 36497135 (cited by Athena Diagnostics); PubMed 33471991 (cited by 5 submitters); PubMed 25186627 (cited by 3 submitters); PubMed 28873162 (cited by Department of Pathology and Laboratory Medicine, Sinai Health System and Sema4).